The following is an entry in ClinVar:

ClinVar aggregate classification (germline): Uncertain significance (1 of 4 stars; one submission).

Submission:

Mayo Clinic Laboratories, Mayo Clinic
Classification: Uncertain significance. Last evaluated: 2025-06-01. Review status: criteria provided, single submitter. Criteria: ACMG Guidelines, 2015. Collection method: clinical testing. Allele origin: germline. Observed: 1 variant allele.
Comment: BP4_moderate, PM2_supporting

NM_001267550.2(TTN):c.25312C>T (p.Leu8438Phe)

Gene: TTN (titin; minus strand). Cytogenetic location: 2q31.2.
Variant type: single nucleotide variant.
Coding change: c.25312C>T on transcript NM_001267550.2 (MANE Select); coding-DNA position 25312, C replaced by T.
Protein change: p.Leu8438Phe; replaces leucine 8438 with phenylalanine.
Molecular consequence: missense variant. On other transcripts: intron variant (3).
Genome position (GRCh38, 1-based): chr2:178,717,562, G>A on the plus strand (C>T on the coding strand, the complement: TTN is on the minus strand). VCF-style: chr2-178717562-G-A. GRCh37 (hg19) VCF-style: chr2-179582289-G-A.
Other names: p.Leu8121Phe; c.24361C>T, p.Leu8121Phe (NM_001256850.1); c.21580C>T, p.Leu7194Phe (NM_133378.4); c.13282+20520C>T (NM_003319.4); c.13858+20520C>T (NM_133437.4); c.13657+20520C>T (NM_133432.3); short protein forms L7194F, L8438F, L8121F.
Identifiers: ClinVar variation 4540753 (VCV004540753.1).
Genomic context (GRCh38, chr2:178,717,562, plus strand): 5'-AGGGTACTGTGAGTTACTCACCTGAGAGAATGAGCTTGGCACTGGATGAAGCAGTCCCAA[G>A]AGGATTAGAAGCAGAGCAATTATACTGCCCTATGTGGCTCTGGTCAGTTTGTAAAATCTG-3'
Protein context (NP_001254479.2, residues 8428-8448): GQYNCSASNP[Leu8438Phe]GTASSSAKLI